The following is an entry in ClinVar:

ClinVar aggregate classification (germline): Uncertain significance (1 of 4 stars; one submission).

Conditions:
Neuroblastoma, susceptibility to, 3. Also called: ALK-Related Neuroblastic Tumor Susceptibility. Identifiers: Orphanet 635, MedGen C2751681, MONDO:0013083, OMIM 613014.

gnomAD v4.1: 2 of 1,613,910 alleles (0.00012%); highest among the groups gnomAD compares: Non-Finnish European, 0.00017%; no homozygotes.

Submission:

Labcorp Genetics (formerly Invitae), Labcorp
Classification: Uncertain significance for Neuroblastoma, susceptibility to, 3. Last evaluated: 2026-01-27. Review status: criteria provided, single submitter. Criteria: Invitae Variant Classification Sherloc (09022015). Collection method: clinical testing. Allele origin: germline.
Comment: This sequence change replaces phenylalanine, which is neutral and non-polar, with cysteine, which is neutral and slightly polar, at codon 1323 of the ALK protein (p.Phe1323Cys). This variant is not present in population databases (gnomAD no frequency). This variant has not been reported in the literature in individuals affected with ALK-related conditions. An algorithm developed to predict the effect of missense changes on protein structure and function (PolyPhen-2) suggests that this variant is likely to be disruptive. In summary, the available evidence is currently insufficient to determine the role of this variant in disease. Therefore, it has been classified as a Variant of Uncertain Significance.

NM_004304.5(ALK):c.3968T>G (p.Phe1323Cys)

Gene: ALK (ALK receptor tyrosine kinase; minus strand). Cytogenetic location: 2p23.2.
Variant type: single nucleotide variant.
Coding change: c.3968T>G on transcript NM_004304.5 (MANE Select); coding-DNA position 3968, T replaced by G.
Protein change: p.Phe1323Cys; replaces phenylalanine 1323 with cysteine.
Molecular consequence: missense variant.
Genome position (GRCh38, 1-based): chr2:29,197,647, A>C on the plus strand (T>G on the coding strand, the complement: ALK is on the minus strand). VCF-style: chr2-29197647-A-C. GRCh37 (hg19) VCF-style: chr2-29420513-A-C.
Other names: c.764T>G, p.Phe255Cys (NM_001353765.2); short protein forms F1323C, F255C.
Identifiers: ClinVar variation 4736290 (VCV004736290.1).